The following is an entry in ClinVar:

NM_000179.3(MSH6):c.367A>G (p.Lys123Glu)

Gene: MSH6 (mutS homolog 6; plus strand). Cytogenetic location: 2p16.3.
Variant type: single nucleotide variant.
Coding change: c.367A>G on transcript NM_000179.3 (MANE Select); coding-DNA position 367, A replaced by G.
Protein change: p.Lys123Glu; replaces lysine 123 with glutamic acid.
Molecular consequence: missense variant. On other transcripts: 5 prime UTR variant (2), intron variant (1).
Genome position (GRCh38, 1-based): chr2:47,791,033, A>G. VCF-style: chr2-47791033-A-G. GRCh37 (hg19) VCF-style: chr2-48018172-A-G.
Other names: c.-370A>G (NM_001281493.2); c.-536A>G (NM_001281494.2); c.237+7563A>G (NM_001281492.2); short protein forms K123E.
Identifiers: ClinVar variation 630061 (VCV000630061.18), dbSNP rs1466067357, ClinGen allele CA346737020.

ClinVar aggregate classification (germline): Conflicting classifications of pathogenicity. Review status: criteria provided, conflicting classifications (1 of 4 stars). 4 submissions from 4 submitters: Uncertain significance (3); Likely benign (1). Last evaluated 2025-12-10.

Conditions:
Hereditary nonpolyposis colorectal neoplasms. Identifiers: MedGen C0009405, MeSH D003123.
Hereditary cancer-predisposing syndrome. Also called: Neoplastic Syndromes, Hereditary; Tumor predisposition; Hereditary neoplastic syndrome; Hereditary Cancer Syndrome. Identifiers: Orphanet 140162, MedGen C0027672, MeSH D009386, MONDO:0015356.

Allele frequency attached by ClinVar (database versions not stated): gnomAD exomes below 0.00001.

Submissions (4):

Color Diagnostics, LLC DBA Color Health
Classification: Uncertain significance for Hereditary cancer-predisposing syndrome. Last evaluated: 2025-12-10. Review status: criteria provided, single submitter. Criteria: ACMG Guidelines, 2015. Collection method: clinical testing. Allele origin: germline.
Comment: This missense variant replaces lysine with glutamic acid at codon 123 of the MSH6 protein. Computational prediction suggests that this variant may not impact protein structure and function. To our knowledge, functional studies have not been reported for this variant. This variant has not been reported in individuals affected with MSH6-related disorders in the literature. This variant has not been identified in the general population by the Genome Aggregation Database (gnomAD). The available evidence is insufficient to determine the role of this variant in disease conclusively. Therefore, this variant is classified as a Variant of Uncertain Significance.

Labcorp Genetics (formerly Invitae), Labcorp
Classification: Likely benign for Hereditary nonpolyposis colorectal neoplasms. Last evaluated: 2025-11-24. Review status: criteria provided, single submitter. Criteria: Invitae Variant Classification Sherloc (09022015). Collection method: clinical testing. Allele origin: germline.

Ambry Genetics
Classification: Uncertain significance for Hereditary cancer-predisposing syndrome. Last evaluated: 2024-02-06. Review status: criteria provided, single submitter. Criteria: Ambry Variant Classification Scheme 2023. Collection method: clinical testing. Allele origin: germline.
Comment: The p.K123E variant (also known as c.367A>G), located in coding exon 2 of the MSH6 gene, results from an A to G substitution at nucleotide position 367. The lysine at codon 123 is replaced by glutamic acid, an amino acid with similar properties. This amino acid position is not well conserved in available vertebrate species. In addition, this alteration is predicted to be tolerated by in silico analysis. Based on the available evidence, the clinical significance of this alteration remains unclear.

GeneDx
Classification: Uncertain significance. Last evaluated: 2023-05-05. Review status: criteria provided, single submitter. Criteria: GeneDx Variant Classification Process June 2021. Collection method: clinical testing. Allele origin: germline. Affected: yes.
Comment: Not observed at significant frequency in large population cohorts (gnomAD); In silico analysis supports that this missense variant does not alter protein structure/function; Has not been previously published as pathogenic or benign to our knowledge